The following is an entry in ClinVar:

NM_001288705.3(CSF1R):c.1126G>A (p.Ala376Thr)

Gene: CSF1R (colony stimulating factor 1 receptor; minus strand). Cytogenetic location: 5q32.
Variant type: single nucleotide variant.
Coding change: c.1126G>A on transcript NM_001288705.3 (MANE Select); coding-DNA position 1126, G replaced by A.
Protein change: p.Ala376Thr; replaces alanine 376 with threonine.
Molecular consequence: missense variant. On other transcripts: non-coding transcript variant (2).
Genome position (GRCh38, 1-based): chr5:150,070,528, C>T on the plus strand (G>A on the coding strand, the complement: CSF1R is on the minus strand). VCF-style: chr5-150070528-C-T. GRCh37 (hg19) VCF-style: chr5-149450091-C-T.
Other names: c.1126G>A, p.Ala376Thr (NM_001349736.2, NM_001375320.1, NM_005211.4); c.682G>A, p.Ala228Thr (NM_001375321.1); short protein forms A228T, A376T.
Identifiers: ClinVar variation 1421711 (VCV001421711.6), dbSNP rs1476493794, ClinGen allele CA361722274.
Genomic context (GRCh38, chr5:150,070,528, plus strand): 5'-GCTCAAACGTCAGAGCTCTCCAGCCTCCTGGGTTTCTGGCCAGGAAGGAGTAGCGGCCAG[C>T]CTCAGAGGGCTTCAGGCGGGGCAGAGAGAGGGTGAAGGTGTGCCTGCAGGAGAGAATCAG-3'
Protein context (NP_001275634.1, residues 366-386): LSLPRLKPSE[Ala376Thr]GRYSFLARNP

ClinVar aggregate classification (germline): Uncertain significance (1 of 4 stars; one submission).

Allele frequency attached by ClinVar (database versions not stated): gnomAD 0.00001.

Submission:

Labcorp Genetics (formerly Invitae), Labcorp
Classification: Uncertain significance. Last evaluated: 2021-10-19. Review status: criteria provided, single submitter. Criteria: Invitae Variant Classification Sherloc (09022015). Collection method: clinical testing. Allele origin: germline.
Comment: This sequence change replaces alanine with threonine at codon 376 of the CSF1R protein (p.Ala376Thr). The alanine residue is highly conserved and there is a small physicochemical difference between alanine and threonine. This variant is not present in population databases (ExAC no frequency). This variant has not been reported in the literature in individuals affected with CSF1R-related conditions. Advanced modeling of protein sequence and biophysical properties (such as structural, functional, and spatial information, amino acid conservation, physicochemical variation, residue mobility, and thermodynamic stability) performed at Invitae indicates that this missense variant is not expected to disrupt CSF1R protein function. In summary, the available evidence is currently insufficient to determine the role of this variant in disease. Therefore, it has been classified as a Variant of Uncertain Significance.